The following is an entry in ClinVar:

ClinVar aggregate classification (germline): Pathogenic. Review status: criteria provided, multiple submitters, no conflicts (2 of 4 stars). 2 submissions from 2 submitters: Pathogenic (2). Last evaluated 2025-12-15.

Conditions:
Nephronophthisis. Also called: Juvenile Nephronophthisis. Identifiers: Orphanet 655, MedGen C0687120, MONDO:0019005, HP:0000090.

Allele frequency attached by ClinVar (database versions not stated): gnomAD exomes below 0.00001; ExAC 0.00001.
gnomAD v4.1: 2 of 1,614,160 alleles (0.00012%); highest among the groups gnomAD compares: East Asian, 0.0022%; no homozygotes.

Submissions (2):

Labcorp Genetics (formerly Invitae), Labcorp
Classification: Pathogenic for Nephronophthisis. Last evaluated: 2025-12-15. Review status: criteria provided, single submitter. Criteria: Invitae Variant Classification Sherloc (09022015). Collection method: clinical testing. Allele origin: germline.
Comment: This sequence change creates a premature translational stop signal (p.Gln837*) in the INVS gene. It is expected to result in an absent or disrupted protein product. Loss-of-function variants in INVS are known to be pathogenic (PMID: 12872123). This variant is present in population databases (rs755549444, gnomAD 0.006%). This variant has not been reported in the literature in individuals affected with INVS-related conditions. ClinVar contains an entry for this variant (Variation ID: 194404). For these reasons, this variant has been classified as Pathogenic.

Eurofins Ntd Llc (ga)
Classification: Pathogenic. Last evaluated: 2014-06-06. Review status: criteria provided, single submitter. Criteria: EGL Classification Definitions 2015. Collection method: clinical testing. Allele origin: germline. Observed: 1 variant allele, 1 heterozygote.

Literature cited by the submitters: PubMed 12872123 (cited by Labcorp Genetics (formerly Invitae), Labcorp).

NM_014425.5(INVS):c.2509C>T (p.Gln837Ter)

Gene: INVS (inversin; plus strand). Cytogenetic location: 9q31.1.
Variant type: single nucleotide variant.
Coding change: c.2509C>T on transcript NM_014425.5 (MANE Select); coding-DNA position 2509, C replaced by T.
Protein change: p.Gln837Ter; replaces glutamine 837 with a stop codon.
Molecular consequence: nonsense. On other transcripts: non-coding transcript variant (1).
Genome position (GRCh38, 1-based): chr9:100,292,766, C>T. VCF-style: chr9-100292766-C-T. GRCh37 (hg19) VCF-style: chr9-103055048-C-T.
Other names: c.2221C>T, p.Gln741Ter (NM_001318381.2); c.1531C>T, p.Gln511Ter (NM_001318382.2); short protein forms Q837*, Q741*, Q511*.
Identifiers: ClinVar variation 194404 (VCV000194404.10), dbSNP rs755549444, ClinGen allele CA201168.